The following is an entry in ClinVar:

NM_025114.4(CEP290):c.5299A>G (p.Thr1767Ala)

Gene: CEP290 (centrosomal protein 290; minus strand). Cytogenetic location: 12q21.32.
Variant type: single nucleotide variant.
Coding change: c.5299A>G on transcript NM_025114.4 (MANE Select); coding-DNA position 5299, A replaced by G.
Protein change: p.Thr1767Ala; replaces threonine 1767 with alanine.
Molecular consequence: missense variant.
Genome position (GRCh38, 1-based): chr12:88,079,157, T>C on the plus strand (A>G on the coding strand, the complement: CEP290 is on the minus strand). VCF-style: chr12-88079157-T-C. GRCh37 (hg19) VCF-style: chr12-88472934-T-C.
Other names: short protein forms T1767A.
Identifiers: ClinVar variation 2199203 (VCV002199203.3), dbSNP rs1451115875, ClinGen allele CA385990444.
Genomic context (GRCh38, chr12:88,079,157, plus strand): 5'-GCTCTCTAGTATGTCGATCAACGATTTGTTGAACATTGAGATGGGCCTCTTTTTGAGAAG[T>C]TGCAGAAATAATACGTTCTTCAGCAGCTGCTGTCATTTCTGCCCGGAGTTCTAAAAGTGC-3'
Protein context (NP_079390.3, residues 1757-1777): AAAEERIISA[Thr1767Ala]SQKEAHLNVQ

ClinVar aggregate classification (germline): Uncertain significance. Review status: criteria provided, multiple submitters, no conflicts (2 of 4 stars). 2 submissions from 2 submitters: Uncertain significance (2). Last evaluated 2025-04-16.

Conditions:
Inborn genetic diseases. Identifiers: MedGen C0950123, MeSH D030342.
Joubert syndrome. Also called: CEREBELLOPARENCHYMAL DISORDER IV; JOUBERT-BOLTSHAUSER SYNDROME; Familial aplasia of the vermis. Identifiers: Orphanet 475, MedGen C5979921, MONDO:0018772.
Nephronophthisis. Also called: Juvenile Nephronophthisis. Identifiers: Orphanet 655, MedGen C0687120, MONDO:0019005, HP:0000090.
Meckel-Gruber syndrome. Also called: DYSENCEPHALIA SPLANCHNOCYSTICA; GRUBER SYNDROME; Dysencephalia splachnocystica. Identifiers: Orphanet 564, MedGen C0265215, MONDO:0018921.

Allele frequency attached by ClinVar (database versions not stated): gnomAD exomes below 0.00001.
gnomAD v4.1: 6 of 1,605,548 alleles (0.00037%); highest among the groups gnomAD compares: East Asian, 0.0068%; no homozygotes.

Submissions (2):

Labcorp Genetics (formerly Invitae), Labcorp
Classification: Uncertain significance for Joubert syndrome; Meckel-Gruber syndrome; Nephronophthisis. Last evaluated: 2025-04-16. Review status: criteria provided, single submitter. Criteria: Invitae Variant Classification Sherloc (09022015). Collection method: clinical testing. Allele origin: germline.
Comment: This sequence change replaces threonine, which is neutral and polar, with alanine, which is neutral and non-polar, at codon 1767 of the CEP290 protein (p.Thr1767Ala). This variant is present in population databases (no rsID available, gnomAD 0.02%). This variant has not been reported in the literature in individuals affected with CEP290-related conditions. ClinVar contains an entry for this variant (Variation ID: 2199203). Invitae Evidence Modeling of protein sequence and biophysical properties (such as structural, functional, and spatial information, amino acid conservation, physicochemical variation, residue mobility, and thermodynamic stability) indicates that this missense variant is not expected to disrupt CEP290 protein function with a negative predictive value of 80%. In summary, the available evidence is currently insufficient to determine the role of this variant in disease. Therefore, it has been classified as a Variant of Uncertain Significance.

Ambry Genetics
Classification: Uncertain significance for Inborn genetic diseases. Last evaluated: 2023-10-14. Review status: criteria provided, single submitter. Criteria: Ambry Variant Classification Scheme 2023. Collection method: clinical testing. Allele origin: germline.